The following is an entry in ClinVar:

NM_007294.4(BRCA1):c.2477C>G (p.Thr826Arg)

Gene: BRCA1 (BRCA1 DNA repair associated; minus strand). Cytogenetic location: 17q21.31.
Variant type: single nucleotide variant.
Coding change: c.2477C>G on transcript NM_007294.4 (MANE Select); coding-DNA position 2477, C replaced by G.
Protein change: p.Thr826Arg; replaces threonine 826 with arginine.
Molecular consequence: missense variant. On other transcripts: intron variant (137).
Genome position (GRCh38, 1-based): chr17:43,093,054, G>C on the plus strand (C>G on the coding strand, the complement: BRCA1 is on the minus strand). VCF-style: chr17-43093054-G-C. GRCh37 (hg19) VCF-style: chr17-41245071-G-C.
Other names: c.2264C>G, p.Thr755Arg (NM_001407571.1, NM_001407853.1, NM_001407894.1 and 9 more transcripts); c.2477C>G, p.Thr826Arg (NM_001407581.1, NM_001407582.1, NM_001407583.1 and 30 more transcripts); c.2474C>G, p.Thr825Arg (NM_001407587.1, NM_001407590.1, NM_001407591.1 and 22 more transcripts); c.2468C>G, p.Thr823Arg (NM_001407646.1, NM_001407647.1); c.2354C>G, p.Thr785Arg (NM_001407648.1, NM_001407664.1, NM_001407665.1 and 19 more transcripts); c.2351C>G, p.Thr784Arg (NM_001407649.1, NM_001407670.1, NM_001407671.1 and 11 more transcripts); c.2399C>G, p.Thr800Arg (NM_001407653.1, NM_001407654.1, NM_001407655.1 and 4 more transcripts); c.2396C>G, p.Thr799Arg (NM_001407659.1, NM_001407660.1, NM_001407661.1 and 1 more transcripts); and 41 more; short protein forms T530R, T715R, T737R, T778R, T714R, T738R, T756R, T758R.
Identifiers: ClinVar variation 2585835 (VCV002585835.2), dbSNP rs28897683, ClinGen allele CA10597048.

ClinVar aggregate classification (germline): Uncertain significance (1 of 4 stars; one submission).

Conditions:
Hereditary cancer-predisposing syndrome. Also called: Hereditary neoplastic syndrome; Tumor predisposition; Hereditary Cancer Syndrome; Neoplastic Syndromes, Hereditary. Identifiers: Orphanet 140162, MedGen C0027672, MeSH D009386, MONDO:0015356.

Submission:

Ambry Genetics
Classification: Uncertain significance for Hereditary cancer-predisposing syndrome. Last evaluated: 2023-07-15. Review status: criteria provided, single submitter. Criteria: Ambry Variant Classification Scheme 2023. Collection method: clinical testing. Allele origin: germline.
Comment: The p.T826R variant (also known as c.2477C>G), located in coding exon 9 of the BRCA1 gene, results from a C to G substitution at nucleotide position 2477. The threonine at codon 826 is replaced by arginine, an amino acid with similar properties. This amino acid position is conserved. In addition, the in silico prediction for this alteration is inconclusive. Since supporting evidence is limited at this time, the clinical significance of this alteration remains unclear.